The following is an entry in ClinVar:

ClinVar aggregate classification (germline): Likely benign (1 of 4 stars; one submission).

Submission:

ARUP Laboratories, Molecular Genetics and Genomics, ARUP Laboratories
Classification: Likely benign. Last evaluated: 2024-11-14. Review status: criteria provided, single submitter. Criteria: ARUP Molecular Germline Variant Investigation Process 2024. Collection method: clinical testing. Allele origin: germline.
Comment: The Hb Hanamaki-2 variant (HBA1: c.418A>G; p.Lys140Glu, also known as Lys139Glu when numbered from the mature protein, rs33973086, HbVar ID: 1105) is reported in the heterozygous state in individuals with normal hematological parameters (see HbVar database, Orisaka 1992, Rahbar 1994). This variant is absent from the Genome Aggregation Database (v2.1.1), indicating it is not a common polymorphism. Computational analyses predict that this variant is deleterious (REVEL: 0.726), and functional studies demonstrate increased oxygen affinity (Orisaka 1992). Based on available information, this variant is considered to be likely benign. References: Link to HbVar database: Orisaka M et al. A new alpha chain variant, Hb Hanamaki or alpha 2(139)(HC1)Lys----Glu beta 2, found in a Japanese family. Hemoglobin. 1992;16(1-2):67-71. PMID: 1634363. Rahbar S et al. A second case of Hb Hanamaki (alpha 2 139(HC1)Lys->Glu beta 2) in an American family with erythrocytosis. Hemoglobin. 1994 May;18(3):221-6. PMID: 7928378.

NM_000558.5(HBA1):c.418A>G (p.Lys140Glu)

Genes: HBA1 (hemoglobin subunit alpha 1; plus strand), LOC106804613 (hemoglobin subunit alpha 1 recombination region; plus strand). Cytogenetic location: 16p13.3.
Variant type: single nucleotide variant.
Coding change: c.418A>G on transcript NM_000558.5 (MANE Select); coding-DNA position 418, A replaced by G.
Protein change: p.Lys140Glu; replaces lysine 140 with glutamic acid.
Molecular consequence: missense variant.
Genome position (GRCh38, 1-based): chr16:177,400, A>G. VCF-style: chr16-177400-A-G. GRCh37 (hg19) VCF-style: chr16-227399-A-G.
Other names: short protein forms K140E.
Identifiers: ClinVar variation 3766985 (VCV003766985.1).